The following is an entry in ClinVar:

ClinVar aggregate classification (germline): Pathogenic/Likely pathogenic. Review status: criteria provided, multiple submitters, no conflicts (2 of 4 stars). 6 submissions from 6 submitters: Pathogenic (2); Likely pathogenic (2). 2 of the submissions do not count toward it. Last evaluated 2026-02-02.

Conditions:
Autosomal recessive limb-girdle muscular dystrophy type 2E (LGMDR4). Also called: MUSCULAR DYSTROPHY, LIMB-GIRDLE, AUTOSOMAL RECESSIVE 4. Identifiers: Orphanet 119, MedGen C1858593, MONDO:0011423, OMIM 604286. Disease mechanism: Affects gamma-sarcoglycan and also disrupts the integrity of the entire sarcoglycan complex..

Allele frequency attached by ClinVar (database versions not stated): ExAC 0.00001.

Submissions (6):

Labcorp Genetics (formerly Invitae), Labcorp
Classification: Pathogenic for Autosomal recessive limb-girdle muscular dystrophy type 2E. Last evaluated: 2026-02-02. Review status: criteria provided, single submitter. Criteria: Invitae Variant Classification Sherloc (09022015). Collection method: clinical testing. Allele origin: germline.
Comment: This sequence change replaces methionine, which is neutral and non-polar, with lysine, which is basic and polar, at codon 100 of the SGCB protein (p.Met100Lys). This variant is not present in population databases (gnomAD no frequency). This missense change has been observed in individual(s) with limb-girdle muscular dystrophy (PMID: 8968749, 12566530, 15938574). ClinVar contains an entry for this variant (Variation ID: 8718). Invitae Evidence Modeling of protein sequence and biophysical properties (such as structural, functional, and spatial information, amino acid conservation, physicochemical variation, residue mobility, and thermodynamic stability) indicates that this missense variant is not expected to disrupt SGCB protein function with a negative predictive value of 80%. For these reasons, this variant has been classified as Pathogenic.

Natera, Inc.
Classification: Likely pathogenic for Limb-girdle muscular dystrophy type 2E. Last evaluated: 2024-09-30. Review status: criteria provided, single submitter. Criteria: Natera Variant Classification Schema (03/2026). Collection method: clinical testing. Allele origin: germline.
Comment: The c.299T>A variant in SGCB is a missense variant predicted to cause substitution of methionine to lysine at amino acid 100. This variant is rare in the general population with a frequency below the threshold expected for the associated phenotype(s). This variant has been observed in one or more individuals affected with the associated recessive disease, as either homozygous or compound heterozygous with a second variant (PMID: 12566530, 8968749, 37317968). Computational prediction algorithms indicate this variant is likely to affect gene or protein function. Given the available evidence, this variant is classified as Likely Pathogenic.

Fulgent Genetics
Classification: Likely pathogenic for Autosomal recessive limb-girdle muscular dystrophy type 2E. Last evaluated: 2024-04-13. Review status: criteria provided, single submitter. Criteria: ACMG Guidelines, 2015. Collection method: clinical testing. Allele origin: germline.

Mendelics
Classification: Pathogenic for Autosomal recessive limb-girdle muscular dystrophy type 2E. Last evaluated: 2019-05-28. Review status: criteria provided, single submitter. Criteria: Mendelics Assertion Criteria 2017. Collection method: clinical testing. Allele origin: unknown.

Counsyl
Classification: Likely pathogenic for Autosomal recessive limb-girdle muscular dystrophy type 2E. Last evaluated: 2018-02-05. Review status: no assertion criteria provided. Collection method: clinical testing. Allele origin: unknown. Not counted in ClinVar's aggregate classification.

OMIM
Classification: Pathogenic for MUSCULAR DYSTROPHY, LIMB-GIRDLE, AUTOSOMAL RECESSIVE 4. Last evaluated: 1996-12-01. Review status: no assertion criteria provided. Collection method: literature only. Allele origin: germline. Not counted in ClinVar's aggregate classification.

Literature cited by the submitters: PubMed 8968749 (cited by 3 submitters); PubMed 12566530 (cited by 3 submitters); PubMed 15938574 (cited by Labcorp Genetics (formerly Invitae), Labcorp and Counsyl); PubMed 37317968 (cited by Natera, Inc.); PubMed 25337728 (cited by Counsyl).

NM_000232.5(SGCB):c.299T>A (p.Met100Lys)

Gene: SGCB (sarcoglycan beta; minus strand). Cytogenetic location: 4q12.
Variant type: single nucleotide variant.
Coding change: c.299T>A on transcript NM_000232.5 (MANE Select); coding-DNA position 299, T replaced by A.
Protein change: p.Met100Lys; replaces methionine 100 with lysine.
Molecular consequence: missense variant.
Genome position (GRCh38, 1-based): chr4:52,029,808, A>T on the plus strand (T>A on the coding strand, the complement: SGCB is on the minus strand). VCF-style: chr4-52029808-A-T. GRCh37 (hg19) VCF-style: chr4-52895974-A-T.
Other names: short protein forms M100K.
Identifiers: ClinVar variation 8718 (VCV000008718.12), dbSNP rs104893871, ClinGen allele CA119858.